The following is an entry in ClinVar:

ClinVar aggregate classification (germline): Uncertain significance (1 of 4 stars; one submission).

Conditions:
Arrhythmogenic right ventricular dysplasia 11. Also called: Arrhythmogenic right ventricular dysplasia 11 with mild palmoplantar keratoderma and woolly hair; Arrhythmogenic Right Ventricular Dysplasia/Cardiomyopathy11; ARRHYTHMOGENIC RIGHT VENTRICULAR DYSPLASIA, FAMILIAL, 11. Identifiers: MedGen C1864850, MONDO:0012506, OMIM 610476.

gnomAD v4.1: 1 of 1,613,954 alleles (0.000062%); highest among the groups gnomAD compares: Non-Finnish European, 0.000085%; no homozygotes.

Submission:

Labcorp Genetics (formerly Invitae), Labcorp
Classification: Uncertain significance for Arrhythmogenic right ventricular dysplasia 11. Last evaluated: 2022-03-24. Review status: criteria provided, single submitter. Criteria: Invitae Variant Classification Sherloc (09022015). Collection method: clinical testing. Allele origin: germline.
Comment: In summary, the available evidence is currently insufficient to determine the role of this variant in disease. Therefore, it has been classified as a Variant of Uncertain Significance. Algorithms developed to predict the effect of missense changes on protein structure and function are either unavailable or do not agree on the potential impact of this missense change (SIFT: "Deleterious"; PolyPhen-2: "Possibly Damaging"; Align-GVGD: "Class C0"). This variant has not been reported in the literature in individuals affected with DSC2-related conditions. This variant is not present in population databases (gnomAD no frequency). This sequence change replaces threonine, which is neutral and polar, with isoleucine, which is neutral and non-polar, at codon 260 of the DSC2 protein (p.Thr260Ile).

NM_024422.6(DSC2):c.779C>T (p.Thr260Ile)

Gene: DSC2 (desmocollin 2; minus strand). Cytogenetic location: 18q12.1.
Variant type: single nucleotide variant.
Coding change: c.779C>T on transcript NM_024422.6 (MANE Select); coding-DNA position 779, C replaced by T.
Protein change: p.Thr260Ile; replaces threonine 260 with isoleucine.
Molecular consequence: missense variant.
Genome position (GRCh38, 1-based): chr18:31,086,739, G>A on the plus strand (C>T on the coding strand, the complement: DSC2 is on the minus strand). VCF-style: chr18-31086739-G-A. GRCh37 (hg19) VCF-style: chr18-28666702-G-A.
Other names: c.350C>T, p.Thr117Ile (NM_001406506.1, NM_001406507.1); c.779C>T, p.Thr260Ile (NM_004949.5); short protein forms T117I, T260I.
Identifiers: ClinVar variation 2116416 (VCV002116416.4), dbSNP rs2510951415, ClinGen allele CA402112381.
Genomic context (GRCh38, chr18:31,086,739, plus strand): 5'-AGGCGTGTGTGCATCGTGTCAGGCTCATCTTTGTCAGTAGCACACACTTGTCCCACAGTA[G>A]TGCCTAGAGAAGAAAAGTCCTTTTTAATCTCCAAAACATTCACATGTTCTATGTTCCCTT-3'
Protein context (NP_077740.1, residues 250-270): FTIFENCRVG[Thr260Ile]TVGQVCATDK